The following is an entry in ClinVar:

ClinVar aggregate classification (germline): Uncertain significance. Review status: criteria provided, multiple submitters, no conflicts (2 of 4 stars). 2 submissions from 2 submitters: Uncertain significance (2). Last evaluated 2025-02-21.

Conditions:
Hereditary cancer-predisposing syndrome. Also called: Hereditary neoplastic syndrome; Neoplastic Syndromes, Hereditary; Tumor predisposition; Hereditary Cancer Syndrome. Identifiers: Orphanet 140162, MedGen C0027672, MeSH D009386, MONDO:0015356.
Ataxia-telangiectasia syndrome (AT). Also called: Ataxia telangiectasia (A-T); LOUIS-BAR SYNDROME; Cerebello-oculocutaneous telangiectasia; Immunodeficiency with ataxia telangiectasia; Ataxia-telangiectasia, complementation group D; AT, COMPLEMENTATION GROUP C. Identifiers: Orphanet 100, MedGen C0004135, MONDO:0008840, OMIM 208900.

Submissions (2):

Labcorp Genetics (formerly Invitae), Labcorp
Classification: Uncertain significance for Ataxia-telangiectasia syndrome. Last evaluated: 2025-02-21. Review status: criteria provided, single submitter. Criteria: Invitae Variant Classification Sherloc (09022015). Collection method: clinical testing. Allele origin: germline.
Comment: This sequence change replaces alanine, which is neutral and non-polar, with valine, which is neutral and non-polar, at codon 2893 of the ATM protein (p.Ala2893Val). This variant is not present in population databases (gnomAD no frequency). This variant has not been reported in the literature in individuals affected with ATM-related conditions. ClinVar contains an entry for this variant (Variation ID: 1764253). Invitae Evidence Modeling of protein sequence and biophysical properties (such as structural, functional, and spatial information, amino acid conservation, physicochemical variation, residue mobility, and thermodynamic stability) has been performed for this missense variant. However, the output from this modeling did not meet the statistical confidence thresholds required to predict the impact of this variant on ATM protein function. In summary, the available evidence is currently insufficient to determine the role of this variant in disease. Therefore, it has been classified as a Variant of Uncertain Significance.

Ambry Genetics
Classification: Uncertain significance for Hereditary cancer-predisposing syndrome. Last evaluated: 2022-02-07. Review status: criteria provided, single submitter. Criteria: Ambry Variant Classification Scheme 2023. Collection method: clinical testing. Allele origin: germline.
Comment: The p.A2893V variant (also known as c.8678C>T), located in coding exon 59 of the ATM gene, results from a C to T substitution at nucleotide position 8678. The alanine at codon 2893 is replaced by valine, an amino acid with similar properties. This amino acid position is highly conserved in available vertebrate species. In addition, this alteration is predicted to be deleterious by in silico analysis. Since supporting evidence is limited at this time, the clinical significance of this alteration remains unclear.

NM_000051.4(ATM):c.8678C>T (p.Ala2893Val)

Genes: ATM (ATM serine/threonine kinase; plus strand), C11orf65 (chromosome 11 open reading frame 65; minus strand). Cytogenetic location: 11q22.3.
Variant type: single nucleotide variant.
Coding change: c.8678C>T on transcript NM_000051.4 (MANE Select); coding-DNA position 8678, C replaced by T.
Protein change: p.Ala2893Val; replaces alanine 2893 with valine.
Molecular consequence: missense variant. On other transcripts: intron variant (2).
Genome position (GRCh38, 1-based): chr11:108,353,772, C>T. VCF-style: chr11-108353772-C-T. GRCh37 (hg19) VCF-style: chr11-108224499-C-T.
Other names: c.8678C>T, p.Ala2893Val (NM_001351834.2); c.640+32148G>A (NM_001330368.2); c.695-18480G>A (NM_001351110.2); short protein forms A2893V.
Identifiers: ClinVar variation 1764253 (VCV001764253.2), dbSNP rs2089493277, ClinGen allele CA382523496.
Genomic context (GRCh38, chr11:108,353,772, plus strand): 5'-AAGAAAGTAAATTAGCTGTCAAACCTCCTAACTTCACTGTATTCTTTACTTTAGGTGTTG[C>T]TTTTGAACAGGGCAAAATCCTTCCTACTCCTGAGACAGTTCCTTTTAGACTCACCAGAGA-3'
Protein context (NP_000042.3, residues 2883-2903): AELVHIDLGV[Ala2893Val]FEQGKILPTP